The following is an entry in ClinVar:

ClinVar aggregate classification (germline): Uncertain significance. Review status: criteria provided, single submitter (1 of 4 stars). 2 submissions from 2 submitters: Uncertain significance (1). 1 of the submissions does not count toward it. Last evaluated 2026-04-14.

Conditions:
Familial intrahepatic cholestasis. Identifiers: Orphanet 284385, MedGen CN296401, MONDO:0017290.
Benign recurrent intrahepatic cholestasis type 1. Also called: SUMMERSKILL SYNDROME; Mild-to-Moderate ATP8B1 Deficiency (Benign Recurrent Intrahepatic Cholestasis 1 [BRIC1]). Identifiers: Orphanet 65682, Orphanet 99960, MedGen C4551899, MONDO:0009469, OMIM 243300.

Submissions (2):

Genomenon, Inc
Classification: Uncertain significance for Familial intrahepatic cholestasis. Last evaluated: 2026-04-14. Review status: criteria provided, single submitter. Criteria: Genomenon Sequence Variant Interpretation Standards - Updated. Collection method: curation. Allele origin: germline. Affected: yes.
Comment: ATP8B1 p.Gly795_Arg797del (c.2384_2392del) is a deletion variant that causes the deletion of multiple amino acids, from Glycine at position 795 to Arginine at position 797. This variant has been observed in at least one proband with features of ATP8B1-deficiency (PMID:15239083;9500542). It is absent or not present at a significant frequency in gnomAD. In conclusion, we classify ATP8B1 p.Gly795_Arg797del (c.2384_2392del) as a variant of uncertain significance.

OMIM
Classification: Pathogenic for CHOLESTASIS, BENIGN RECURRENT INTRAHEPATIC, 1. Last evaluated: 1998-03-01. Review status: no assertion criteria provided. Collection method: literature only. Allele origin: germline. Not counted in ClinVar's aggregate classification.

Literature cited by the submitters: PubMed 15239083 (cited by Genomenon, Inc); PubMed 9500542 (cited by Genomenon, Inc and OMIM).

NM_001374385.1(ATP8B1):c.2384_2392del (p.Gly795_Arg797del)

Genes: ATP8B1 (ATPase phospholipid transporting 8B1; minus strand), ATP8B1-AS1 (ATP8B1 antisense RNA 1; plus strand). Cytogenetic location: 18q21.31.
Variant type: Deletion.
Coding change: c.2384_2392del on transcript NM_001374385.1 (MANE Select); coding-DNA positions 2384 to 2392, 9 bases deleted (GAAACCGTG; older notation c.2384_2392delGAAACCGTG).
Protein change: p.Gly795_Arg797del.
Molecular consequence: inframe deletion.
Genome position (GRCh38, 1-based): chr18:57,662,509-57,662,517, CACGGTTTC deleted on the plus strand (GAAACCGTG on the coding strand, the reverse complement: ATP8B1 is on the minus strand); deleting any 9 consecutive bases within chr18:57,662,509-57,662,520 gives the same sequence; the c. name uses the placement nearest the transcript's 3' end. VCF-style (leftmost placement, unchanged base first): chr18-57662508-GCACGGTTTC-G. GRCh37 (hg19) VCF-style: chr18-55329740-GCACGGTTTC-G.
Other names: c.2234_2242del, p.Gly745_Arg747del (NM_001374386.1); c.2384_2392del, p.Gly795_Arg797del (NM_005603.6).
Identifiers: ClinVar variation 7268 (VCV000007268.2), dbSNP rs2122653939, ClinGen allele CA2580095984.